The following is an entry in ClinVar:

NM_178857.6(RP1L1):c.6853G>A (p.Gly2285Arg)

Gene: RP1L1 (RP1 like 1). Cytogenetic location: 8p23.1.
Variant type: single nucleotide variant.
Coding change: c.6853G>A on transcript NM_178857.6 (MANE Select); coding-DNA position 6853, G replaced by A.
Protein change: p.Gly2285Arg; replaces glycine 2285 with arginine.
Molecular consequence: missense variant.
Genome position (GRCh38, 1-based): chr8:10,607,245, C>T on the plus strand (G>A on the coding strand, the complement: RP1L1 is on the minus strand). VCF-style: chr8-10607245-C-T. GRCh37 (hg19) VCF-style: chr8-10464755-C-T.
Other names: short protein forms G2285R.
Identifiers: ClinVar variation 361209 (VCV000361209.16), dbSNP rs55642448, ClinGen allele CA4623147.

ClinVar aggregate classification (germline): Benign. Review status: criteria provided, multiple submitters, no conflicts (2 of 4 stars). 8 submissions from 7 submitters: Benign (6). 2 of the submissions do not count toward it. Last evaluated 2023-10-01.

Conditions:
Occult macular dystrophy (OCMD). Also called: OMD; OCCULT MACULAR DYSTROPHY, SUSCEPTIBILITY TO. Identifiers: Orphanet 247834, MedGen C3150833, MONDO:0013316, OMIM 613587, HP:0030636.
Retinitis pigmentosa 88. Identifiers: MedGen C5394208, MONDO:0032940, OMIM 618826.
Retinal dystrophy. Also called: Inherited retinal dystrophy. Identifiers: Orphanet 71862, MedGen C0854723, MeSH D058499, MONDO:0019118, HP:0000556.

Allele frequency attached by ClinVar (database versions not stated): ESP Exome Variant Server 0.37674; gnomAD 0.41338 and 0.42124; TOPMed 0.41762; gnomAD exomes 0.41845 and 0.47842; ExAC 0.47024; 1000 Genomes Project 30x 0.47174; 1000 Genomes Project 0.47204.
gnomAD v4.1: 675,584 of 1,613,930 alleles (42%); highest among the groups gnomAD compares: Admixed American, 60%; 146,192 homozygotes.

Submissions (8):

Dept Of Ophthalmology, Nagoya University
Classification: Benign for Retinal dystrophy. Last evaluated: 2023-10-01. Review status: criteria provided, single submitter. Criteria: Submitter's publication. Collection method: research. Allele origin: germline. Affected: yes.

Genome-Nilou Lab
Classification: Benign for Occult macular dystrophy. Last evaluated: 2021-11-07. Review status: criteria provided, single submitter. Criteria: ACMG Guidelines, 2015. Collection method: clinical testing. Allele origin: germline. Affected: no.

Genome-Nilou Lab
Classification: Benign for Retinitis pigmentosa 88. Last evaluated: 2021-11-07. Review status: criteria provided, single submitter. Criteria: ACMG Guidelines, 2015. Collection method: clinical testing. Allele origin: germline. Affected: no.

GeneDx
Classification: Benign. Last evaluated: 2018-08-22. Review status: criteria provided, single submitter. Criteria: GeneDx Variant Classification Process June 2021. Collection method: clinical testing. Allele origin: germline. Affected: yes.

Illumina Laboratory Services, Illumina
Classification: Benign for Occult macular dystrophy. Last evaluated: 2018-01-13. Review status: criteria provided, single submitter. Criteria: ICSL Variant Classification Criteria 13 December 2019. Collection method: clinical testing. Allele origin: germline.
Comment: This variant was observed in the ICSL laboratory as part of a predisposition screen in an ostensibly healthy population. It had not been previously curated by ICSL or reported in the Human Gene Mutation Database (HGMD: prior to June 1st, 2018), and was therefore a candidate for classification through an automated scoring system. Utilizing variant allele frequency, disease prevalence and penetrance estimates, and inheritance mode, an automated score was calculated to assess if this variant is too frequent to cause the disease. Based on the score and internal cut-off values, a variant classified as benign is not then subjected to further curation. The score for this variant resulted in a classification of benign for this disease.

Breakthrough Genomics
Classification: Benign. Review status: criteria provided, single submitter. Criteria: ACMG Guidelines, 2015. Collection method: not provided. Allele origin: germline. Inheritance: Autosomal recessive inheritance. Affected: yes.

Diagnostic Laboratory, Department of Genetics, University Medical Center Groningen
Classification: Benign. Review status: no assertion criteria provided. Collection method: clinical testing. Allele origin: germline. Affected: yes. Study: VKGL Data-share Consensus. Not counted in ClinVar's aggregate classification.

Joint Genome Diagnostic Labs from Nijmegen and Maastricht, Radboudumc and MUMC+
Classification: Benign. Review status: no assertion criteria provided. Collection method: clinical testing. Allele origin: germline. Affected: yes. Study: VKGL Data-share Consensus. Not counted in ClinVar's aggregate classification.